The following is an entry in ClinVar:

ClinVar aggregate classification (germline): Likely benign. Review status: criteria provided, single submitter (1 of 4 stars). 2 submissions from 2 submitters: Likely benign (1). 1 of the submissions does not count toward it. Last evaluated 2026-01-28.

Conditions:
CEP152-related disorder. Also called: CEP152-related condition; CEP152-related disorders. Identifiers: MedGen CN239248.

Allele frequency attached by ClinVar (database versions not stated): gnomAD exomes 0.00012 and 0.00033; ExAC 0.00041; 1000 Genomes Project 30x 0.00078; 1000 Genomes Project 0.00100; TOPMed 0.00161; ESP Exome Variant Server 0.00133; gnomAD 0.00145 and 0.00160.
gnomAD v4.1: 422 of 1,614,142 alleles (0.026%); highest among the groups gnomAD compares: African/African-American, 0.48%; 1 homozygote.

Submissions (2):

Labcorp Genetics (formerly Invitae), Labcorp
Classification: Likely benign. Last evaluated: 2026-01-28. Review status: criteria provided, single submitter. Criteria: Invitae Variant Classification Sherloc (09022015). Collection method: clinical testing. Allele origin: germline.

PreventionGenetics, part of Exact Sciences
Classification: Likely benign for CEP152-related condition. Last evaluated: 2022-04-07. Review status: no assertion criteria provided. Collection method: clinical testing. Allele origin: germline. Not counted in ClinVar's aggregate classification.
Comment: This variant is classified as likely benign based on ACMG/AMP sequence variant interpretation guidelines (Richards et al. 2015 PMID: 25741868, with internal and published modifications).

NM_001194998.2(CEP152):c.4784C>T (p.Pro1595Leu)

Gene: CEP152 (centrosomal protein 152; minus strand). Cytogenetic location: 15q21.1.
Variant type: single nucleotide variant.
Coding change: c.4784C>T on transcript NM_001194998.2 (MANE Select); coding-DNA position 4784, C replaced by T.
Protein change: p.Pro1595Leu; replaces proline 1595 with leucine.
Molecular consequence: missense variant.
Genome position (GRCh38, 1-based): chr15:48,738,598, G>A on the plus strand (C>T on the coding strand, the complement: CEP152 is on the minus strand). VCF-style: chr15-48738598-G-A. GRCh37 (hg19) VCF-style: chr15-49030795-G-A.
Other names: c.4616C>T, p.Pro1539Leu (NM_014985.4); c.4784C>T (NM_001194998.1); short protein forms P1539L, P1595L.
Identifiers: ClinVar variation 712165 (VCV000712165.11), dbSNP rs145652839, ClinGen allele CA7548039.